The following is an entry in ClinVar:

ClinVar aggregate classification (germline): Uncertain significance (1 of 4 stars; one submission).

Submission:

Labcorp Genetics (formerly Invitae), Labcorp
Classification: Uncertain significance. Last evaluated: 2025-06-12. Review status: criteria provided, single submitter. Criteria: Invitae Variant Classification Sherloc (09022015). Collection method: clinical testing. Allele origin: germline.
Comment: This sequence change replaces lysine, which is basic and polar, with arginine, which is basic and polar, at codon 822 of the COPB2 protein (p.Lys822Arg). This variant is not present in population databases (gnomAD no frequency). This variant has not been reported in the literature in individuals affected with COPB2-related conditions. ClinVar contains an entry for this variant (Variation ID: 2868130). An algorithm developed to predict the effect of missense changes on protein structure and function (PolyPhen-2) suggests that this variant is likely to be tolerated. In summary, the available evidence is currently insufficient to determine the role of this variant in disease. Therefore, it has been classified as a Variant of Uncertain Significance.

NM_004766.3(COPB2):c.2465A>G (p.Lys822Arg)

Gene: COPB2 (coat protein complex I subunit beta 2; minus strand). Cytogenetic location: 3q23.
Variant type: single nucleotide variant.
Coding change: c.2465A>G on transcript NM_004766.3 (MANE Select); coding-DNA position 2465, A replaced by G.
Protein change: p.Lys822Arg; replaces lysine 822 with arginine.
Molecular consequence: missense variant. On other transcripts: non-coding transcript variant (1).
Genome position (GRCh38, 1-based): chr3:139,359,017, T>C on the plus strand (A>G on the coding strand, the complement: COPB2 is on the minus strand). VCF-style: chr3-139359017-T-C. GRCh37 (hg19) VCF-style: chr3-139077859-T-C.
Other names: c.2378A>G, p.Lys793Arg (NM_001410834.1); short protein forms K822R, K793R.
Identifiers: ClinVar variation 2868130 (VCV002868130.3), dbSNP rs2472879398, ClinGen allele CA354767266.